The following is an entry in ClinVar:

NM_001377.3(DYNC2H1):c.2579_2580delinsAA (p.Trp860Ter)

Gene: DYNC2H1 (dynein cytoplasmic 2 heavy chain 1; plus strand). Cytogenetic location: 11q22.3.
Variant type: Indel.
Coding change: c.2579_2580delinsAA on transcript NM_001377.3 (MANE Select); coding-DNA positions 2579 to 2580, GG replaced by AA.
Protein change: p.Trp860Ter; replaces tryptophan 860 with a stop codon.
Molecular consequence: nonsense.
Genome position (GRCh38, 1-based): chr11:103,143,272-103,143,273, GG replaced by AA. VCF-style: chr11-103143272-GG-AA. GRCh37 (hg19) VCF-style: chr11-103014001-GG-AA.
Other names: c.2579_2580delinsAA, p.Trp860Ter (NM_001080463.2); c.2579_2580delGGinsAA (NM_001377.3); short protein forms W860*.
Identifiers: ClinVar variation 2664834 (VCV002664834.1), dbSNP rs2496973799, ClinGen allele CA2573320773.
Genomic context (GRCh38, chr11:103,143,272, plus strand): 5'-ATGTTAACATATTGGTTCTGTGTCTTTAATAATACATTTTTTCTTTCTTTAAATAGGAAT[GG>AA]ATTGTAATTGGGCAAGTTGATATGGAAGCTCTGGTGGAAAAGCATCTTTTTACTGTACAT-3'

ClinVar aggregate classification (germline): Likely pathogenic (1 of 4 stars; one submission).

Conditions:
Asphyxiating thoracic dystrophy 3. Also called: SHORT-RIB THORACIC DYSPLASIA 3 WITH OR WITHOUT POLYDACTYLY; POLYDACTYLY WITH NEONATAL CHONDRODYSTROPHY, TYPE I; SHORT-RIB THORACIC DYSPLASIA 3/6 WITH POLYDACTYLY, DIGENIC; Short rib polydactyly syndrome 2B; Saldino-Noonan Syndrome. Identifiers: Orphanet 474, Orphanet 93269, Orphanet 93270, Orphanet 93271, MedGen C0036069, MONDO:0013127, OMIM 613091.

Submission:

Genetics and Molecular Pathology, SA Pathology
Classification: Likely pathogenic for Asphyxiating thoracic dystrophy 3. Last evaluated: 2022-10-04. Review status: criteria provided, single submitter. Criteria: ACMG Guidelines, 2015. Collection method: clinical testing. Allele origin: germline. Inheritance: Autosomal recessive inheritance. Affected: yes.
Comment: The DYNC2H1 c.2579_2580delinsAA variant is classified as Likely Pathogenic (PVS1, PM2) The DYNC2H1 c.2579_2580delinsAA variant is a single nucleotide change in exon 18 of 89, which is predicted to result in premature termination of the protein product at codon 860 (PVS1); other pathogenic stop gain variants have been reported downstream of this variant. This variant is absent from population databases (PM2). This variant has not been reported in dbSNP, ClinVar or HGMD.